The following is an entry in ClinVar:

NM_004006.3(DMD):c.5615C>T (p.Ala1872Val)

Gene: DMD (dystrophin; minus strand). Cytogenetic location: Xp21.1.
Variant type: single nucleotide variant.
Coding change: c.5615C>T on transcript NM_004006.3 (MANE Select); coding-DNA position 5615, C replaced by T.
Protein change: p.Ala1872Val; replaces alanine 1872 with valine.
Molecular consequence: missense variant.
Genome position (GRCh38, 1-based): chrX:32,343,258, G>A on the plus strand (C>T on the coding strand, the complement: DMD is on the minus strand). VCF-style: chrX-32343258-G-A. GRCh37 (hg19) VCF-style: chrX-32361375-G-A.
Other names: c.5591C>T, p.Ala1864Val (NM_000109.4); c.5603C>T, p.Ala1868Val (NM_004009.3); c.5246C>T, p.Ala1749Val (NM_004010.3); c.1592C>T, p.Ala531Val (NM_004011.4); c.1583C>T, p.Ala528Val (NM_004012.4); short protein forms A531V, A1749V, A1864V, A528V, A1868V, A1872V.
Identifiers: ClinVar variation 1375690 (VCV001375690.5), dbSNP rs200246327, ClinGen allele CA412666319.

ClinVar aggregate classification (germline): Uncertain significance (1 of 4 stars; one submission).

Conditions:
Duchenne muscular dystrophy (DMD). Also called: MUSCULAR DYSTROPHY, PSEUDOHYPERTROPHIC PROGRESSIVE, DUCHENNE TYPE; Duchenne Muscular Dystrophy (DMD). Identifiers: Orphanet 98896, MedGen C0013264, MONDO:0010679, OMIM 310200.

gnomAD v4.1: 1 of 1,208,064 alleles (0.000083%); highest among the groups gnomAD compares: Non-Finnish European, 0.00011%; no homozygotes.

Submission:

Labcorp Genetics (formerly Invitae), Labcorp
Classification: Uncertain significance for Duchenne muscular dystrophy. Last evaluated: 2022-08-16. Review status: criteria provided, single submitter. Criteria: Invitae Variant Classification Sherloc (09022015). Collection method: clinical testing. Allele origin: germline.
Comment: This sequence change replaces alanine, which is neutral and non-polar, with valine, which is neutral and non-polar, at codon 1872 of the DMD protein (p.Ala1872Val). This variant is present in population databases (no rsID available, gnomAD 0.003%). This variant has not been reported in the literature in individuals affected with DMD-related conditions. ClinVar contains an entry for this variant (Variation ID: 1375690). Algorithms developed to predict the effect of missense changes on protein structure and function are either unavailable or do not agree on the potential impact of this missense change (SIFT: "Deleterious"; PolyPhen-2: "Possibly Damaging"; Align-GVGD: "Class C0"). Algorithms developed to predict the effect of sequence changes on RNA splicing suggest that this variant may create or strengthen a splice site. In summary, the available evidence is currently insufficient to determine the role of this variant in disease. Therefore, it has been classified as a Variant of Uncertain Significance.